The following is an entry in ClinVar:

ClinVar aggregate classification (germline): Likely benign (1 of 4 stars; one submission).

Conditions:
Hereditary diffuse gastric adenocarcinoma (HDGC). Also called: DIFFUSE GASTRIC AND LOBULAR BREAST CANCER SYNDROME. Identifiers: Orphanet 26106, MedGen C1708349, MONDO:0007648, OMIM 137215.

Submission:

Myriad Genetics, Inc.
Classification: Likely benign for Hereditary diffuse gastric adenocarcinoma. Last evaluated: 2024-09-17. Review status: criteria provided, single submitter. Criteria: Myriad Autosomal Dominant, Autosomal Recessive and X-Linked Classification Criteria (2023). Collection method: clinical testing. Allele origin: unknown.
Comment: This variant is considered likely benign. This variant is intronic and is not expected to impact mRNA splicing.

NM_004360.5(CDH1):c.1009-12A>G

Gene: CDH1 (cadherin 1; plus strand). Cytogenetic location: 16q22.1.
Variant type: single nucleotide variant.
Coding change: c.1009-12A>G on transcript NM_004360.5 (MANE Select); 12 bases into the intron before coding-DNA position 1009, A replaced by G.
Molecular consequence: intron variant.
Genome position (GRCh38, 1-based): chr16:68,812,123, A>G. VCF-style: chr16-68812123-A-G. GRCh37 (hg19) VCF-style: chr16-68846026-A-G.
Other names: c.-607-12A>G (NM_001317185.2); c.-811-12A>G (NM_001317186.2); c.1009-12A>G (NM_001317184.2).
Identifiers: ClinVar variation 3378748 (VCV003378748.1).